The following is an entry in ClinVar:

NM_001199397.3(NEK1):c.3612A>G (p.Glu1204=)

Gene: NEK1 (NIMA related kinase 1; minus strand). Cytogenetic location: 4q33.
Variant type: single nucleotide variant.
Coding change: c.3612A>G on transcript NM_001199397.3 (MANE Select); coding-DNA position 3612, A replaced by G.
Protein change: p.Glu1204=; no amino-acid change (glutamic acid 1204 retained).
Molecular consequence: synonymous variant. On other transcripts: non-coding transcript variant (1).
Genome position (GRCh38, 1-based): chr4:169,400,623, T>C on the plus strand (A>G on the coding strand, the complement: NEK1 is on the minus strand). VCF-style: chr4-169400623-T-C. GRCh37 (hg19) VCF-style: chr4-170321774-T-C.
Other names: c.3480A>G, p.Glu1160= (NM_001199398.3); c.3321A>G, p.Glu1107= (NM_001199399.3); c.3396A>G, p.Glu1132= (NM_001199400.3); c.3612A>G, p.Glu1204= (NM_001374418.1); c.3528A>G, p.Glu1176= (NM_001374419.1, NM_012224.4); c.3477A>G, p.Glu1159= (NM_001374420.1); c.3129A>G, p.Glu1043= (NM_001374421.1); c.3528A>G (NM_012224.2).
Identifiers: ClinVar variation 1635356 (VCV001635356.22), dbSNP rs376870683, ClinGen allele CA3137118.

ClinVar aggregate classification (germline): Conflicting classifications of pathogenicity. Review status: criteria provided, conflicting classifications (1 of 4 stars). 3 submissions from 3 submitters: Uncertain significance (1); Likely benign (2). Last evaluated 2025-08-27.

Conditions:
NEK1-related disorder. Also called: NEK1-related condition.
Short-rib thoracic dysplasia 6 with or without polydactyly (SRTD6). Also called: POLYDACTYLY WITH NEONATAL CHONDRODYSTROPHY, TYPE II; SHORT RIB-POLYDACTYLY SYNDROME, TYPE IIA; SHORT-RIB THORACIC DYSPLASIA 6 WITH POLYDACTYLY; SHORT-RIB THORACIC DYSPLASIA 6 WITHOUT POLYDACTYLY; Majewski Syndrome. Identifiers: MedGen C0024507, MONDO:0009894, OMIM 263520.

Allele frequency attached by ClinVar (database versions not stated): gnomAD 0.00002; TOPMed 0.00002; gnomAD exomes 0.00005 and 0.00006; ExAC 0.00008; ESP Exome Variant Server 0.00008.
gnomAD v4.1: 89 of 1,598,482 alleles (0.0056%); highest among the groups gnomAD compares: Non-Finnish European, 0.0068%; no homozygotes.

Submissions (3):

Labcorp Genetics (formerly Invitae), Labcorp
Classification: Likely benign for Short-rib thoracic dysplasia 6 with or without polydactyly. Last evaluated: 2025-08-27. Review status: criteria provided, single submitter. Criteria: Invitae Variant Classification Sherloc (09022015). Collection method: clinical testing. Allele origin: germline.

CeGaT Center for Human Genetics Tuebingen
Classification: Likely benign. Last evaluated: 2025-01-01. Review status: criteria provided, single submitter. Criteria: CeGaT Center For Human Genetics Tuebingen Variant Classification Criteria Version 2. Collection method: clinical testing. Allele origin: germline. Affected: yes. Observed: 1 variant allele.
Comment: NEK1: BP4, BP7

PreventionGenetics, part of Exact Sciences
Classification: Uncertain significance for NEK1-related condition. Last evaluated: 2022-12-16. Review status: criteria provided, single submitter. Criteria: ACMG Guidelines, 2015. Collection method: clinical testing. Allele origin: germline.
Comment: The NEK1 c.3528A>G variant is not predicted to result in an amino acid change (p.=). This variant is predicted to result in the creation of a cryptic splice donor site (Alamut Visual Plus v1.6.1), but such computer predictions are not equivalent to functional evidence. To our knowledge, this variant has not been reported in the literature. This variant is reported in 0.011% of alleles in individuals of European (Non-Finnish) descent in gnomAD. At this time, the clinical significance of this variant is uncertain due to the absence of conclusive functional and genetic evidence.